The following is an entry in ClinVar:

NM_182914.3(SYNE2):c.3613G>A (p.Glu1205Lys)

Gene: SYNE2 (spectrin repeat containing nuclear envelope protein 2; plus strand). Cytogenetic location: 14q23.2.
Variant type: single nucleotide variant.
Coding change: c.3613G>A on transcript NM_182914.3 (MANE Select); coding-DNA position 3613, G replaced by A.
Protein change: p.Glu1205Lys; replaces glutamic acid 1205 with lysine.
Molecular consequence: missense variant.
Genome position (GRCh38, 1-based): chr14:64,000,694, G>A. VCF-style: chr14-64000694-G-A. GRCh37 (hg19) VCF-style: chr14-64467412-G-A.
Other names: c.3613G>A, p.Glu1205Lys (NM_015180.6); short protein forms E1205K.
Identifiers: ClinVar variation 1501061 (VCV001501061.9), dbSNP rs375217349, ClinGen allele CA7220007.

ClinVar aggregate classification (germline): Uncertain significance. Review status: criteria provided, multiple submitters, no conflicts (2 of 4 stars). 2 submissions from 2 submitters: Uncertain significance (2). Last evaluated 2022-08-15.

Conditions:
Emery-Dreifuss muscular dystrophy 5, autosomal dominant (EDMD5). Also called: EMERY-DREIFUSS MUSCULAR DYSTROPHY 5. Identifiers: Orphanet 261, MedGen C2751805, MONDO:0013072, OMIM 612999.

Allele frequency attached by ClinVar (database versions not stated): gnomAD 0.00001 and 0.00003; TOPMed 0.00003; gnomAD exomes 0.00006; ExAC 0.00008; ESP Exome Variant Server 0.00008; 1000 Genomes Project 0.00020; 1000 Genomes Project 30x 0.00031.
gnomAD v4.1: 65 of 1,613,032 alleles (0.004%); highest among the groups gnomAD compares: South Asian, 0.049%; 1 homozygote.

Submissions (2):

Labcorp Genetics (formerly Invitae), Labcorp
Classification: Uncertain significance for Emery-Dreifuss muscular dystrophy 5, autosomal dominant. Last evaluated: 2022-08-15. Review status: criteria provided, single submitter. Criteria: Invitae Variant Classification Sherloc (09022015). Collection method: clinical testing. Allele origin: germline.
Comment: In summary, the available evidence is currently insufficient to determine the role of this variant in disease. Therefore, it has been classified as a Variant of Uncertain Significance. This sequence change replaces glutamic acid, which is acidic and polar, with lysine, which is basic and polar, at codon 1205 of the SYNE2 protein (p.Glu1205Lys). Algorithms developed to predict the effect of missense changes on protein structure and function are either unavailable or do not agree on the potential impact of this missense change (SIFT: "Tolerated"; PolyPhen-2: "Possibly Damaging"; Align-GVGD: "Class C0"). ClinVar contains an entry for this variant (Variation ID: 1501061). This variant has not been reported in the literature in individuals affected with SYNE2-related conditions. This variant is present in population databases (rs375217349, gnomAD 0.04%), and has an allele count higher than expected for a pathogenic variant.

Breakthrough Genomics
Classification: Uncertain significance. Review status: criteria provided, single submitter. Criteria: ACMG Guidelines, 2015. Collection method: not provided. Allele origin: germline. Inheritance: Autosomal dominant inheritance. Affected: yes.